The following is an entry in ClinVar:

ClinVar aggregate classification (germline): Pathogenic (1 of 4 stars; one submission).

Conditions:
Familial adenomatous polyposis 2. Also called: FAP type 2; MUTYH Polyposis; COLORECTAL ADENOMATOUS POLYPOSIS, AUTOSOMAL RECESSIVE; ADENOMAS, MULTIPLE COLORECTAL, AUTOSOMAL RECESSIVE; MYH-associated polyposis; MUTYH-associated polyposis. Identifiers: Orphanet 220460, Orphanet 247798, MedGen C3272841, MONDO:0012041, OMIM 608456.

Submission:

Labcorp Genetics (formerly Invitae), Labcorp
Classification: Pathogenic for Familial adenomatous polyposis 2. Last evaluated: 2020-10-21. Review status: criteria provided, single submitter. Criteria: Invitae Variant Classification Sherloc (09022015). Collection method: clinical testing. Allele origin: germline.
Comment: For these reasons, this variant has been classified as Pathogenic. This variant has not been reported in the literature in individuals with MUTYH-related conditions. This variant is not present in population databases (ExAC no frequency). This sequence change creates a premature translational stop signal (p.Val132Glyfs*121) in the MUTYH gene. It is expected to result in an absent or disrupted protein product. Loss-of-function variants in MUTYH are known to be pathogenic (PMID: 18534194, 20663686).

Literature cited by the submitters: PubMed 18534194; PubMed 20663686.

NM_001048174.2(MUTYH):c.310dup (p.Val104fs)

Gene: MUTYH (mutY DNA glycosylase; minus strand). Cytogenetic location: 1p34.1.
Variant type: Duplication.
Coding change: c.310dup on transcript NM_001048174.2 (MANE Select); coding-DNA position 310, one base duplicated (G; older notation c.310dupG).
Protein change: p.Val104fs; shifts the reading frame from valine 104.
Molecular consequence: frameshift variant. On other transcripts: non-coding transcript variant (1), intron variant (2).
Genome position (GRCh38, 1-based): chr1:45,333,165, C duplicated on the plus strand (G on the coding strand, the reverse complement: MUTYH is on the minus strand); the first of 3 consecutive C bases (chr1:45,333,165-45,333,167); duplicating any one gives the same sequence. VCF-style (leftmost placement, unchanged base first): chr1-45333164-A-AC. GRCh37 (hg19) VCF-style: chr1-45798836-A-AC.
Other names: c.310dup, p.Val104fs (NM_001048171.2, NM_001048173.2, NM_001293195.2); c.313dup, p.Val105fs (NM_001048172.2); c.34dup, p.Val12fs (NM_001293192.2, NM_001293196.2); c.385dup, p.Val129fs (NM_012222.3); c.33+118dup (NM_001350651.2, NM_001350650.2); c.394dup, p.Val132fs (NM_001128425.2); c.355dup, p.Val119fs (NM_001293190.2); c.343dup, p.Val115fs (NM_001293191.2); short protein forms V104fs, V105fs, V115fs, V119fs, V129fs, V12fs, V132fs.
Identifiers: ClinVar variation 1075894 (VCV001075894.7), dbSNP rs1553129676, ClinGen allele CA2499214776.